The following is an entry in ClinVar:

NM_000444.6(PHEX):c.2038AAC[1] (p.Asn681del)

Genes: PHEX (phosphate regulating endopeptidase X-linked; plus strand), PTCHD1-AS (PTCHD1 and PHEX antisense RNA; minus strand). Cytogenetic location: Xp22.11.
Variant type: Microsatellite.
Coding change: c.2038AAC[1] on transcript NM_000444.6 (MANE Select); one copy of the 3-base unit AAC starting at c.2038; the reference has two copies in a row; one copy, 3 bases deleted.
Protein change: p.Asn681del; deletes asparagine 681.
Molecular consequence: inframe deletion. On other transcripts: non-coding transcript variant (1).
Genome position (GRCh38, 1-based): chrX:22,227,582-22,227,584, AAC deleted; deleting any 3 consecutive bases within chrX:22,227,578-22,227,584 gives the same sequence; the position shown is the placement nearest the transcript's 3' end. VCF-style (leftmost placement, unchanged base first): chrX-22227577-CCAA-C. GRCh37 (hg19) VCF-style: chrX-22245694-CCAA-C.
Other names: c.2038AAC[1], p.Asn681del (NM_001282754.2); short protein forms N681del.
Identifiers: ClinVar variation 4710658 (VCV004710658.1).
Genomic context (GRCh38, chrX:22,227,577, plus strand): 5'-AATGGATAAATGACAGAAGGCAGGGACTTGAGGAGCCTCTTCTACCAGGCATCACATTCA[CCAA>C]CAACCAGCTCTTCTTCCTGAGTTATGCTCATGTGAGTAGACTGAGGAAGGGGCATCAGGG-3'

ClinVar aggregate classification (germline): Uncertain significance (1 of 4 stars; one submission).

Submission:

Labcorp Genetics (formerly Invitae), Labcorp
Classification: Uncertain significance. Last evaluated: 2025-09-21. Review status: criteria provided, single submitter. Criteria: Invitae Variant Classification Sherloc (09022015). Collection method: clinical testing. Allele origin: germline.
Comment: This variant, c.2041_2043del, results in the deletion of 1 amino acid(s) of the PHEX protein (p.Asn681del), but otherwise preserves the integrity of the reading frame. This variant is not present in population databases (gnomAD no frequency). This variant has been observed in individual(s) with X-linked hypophosphatemia (PMID: 9768674). This variant is also known as p.Asn680del. Experimental studies and prediction algorithms are not available or were not evaluated, and the functional significance of this variant is currently unknown. In summary, the available evidence is currently insufficient to determine the role of this variant in disease. Therefore, it has been classified as a Variant of Uncertain Significance.

Literature cited by the submitters: PubMed 9768674.